The following is an entry in ClinVar:

ClinVar aggregate classification (germline): Uncertain significance (1 of 4 stars; one submission).

Conditions:
Senior-Loken syndrome 8 (SLSN8). Identifiers: Orphanet 3156, MedGen C4225376, MONDO:0014579, OMIM 616307.
Asphyxiating thoracic dystrophy 5 (SRTD5). Also called: SHORT-RIB THORACIC DYSPLASIA 5 WITH OR WITHOUT POLYDACTYLY; SHORT-RIB THORACIC DYSPLASIA 5 WITHOUT POLYDACTYLY. Identifiers: Orphanet 474, MedGen C3280598, MONDO:0013717, OMIM 614376.

Allele frequency attached by ClinVar (database versions not stated): gnomAD 0.00001.
gnomAD v4.1: 4 of 1,613,784 alleles (0.00025%); highest among the groups gnomAD compares: South Asian, 0.0011%; no homozygotes.

Submission:

Labcorp Genetics (formerly Invitae), Labcorp
Classification: Uncertain significance for Senior-Loken syndrome 8; Asphyxiating thoracic dystrophy 5. Last evaluated: 2021-05-16. Review status: criteria provided, single submitter. Criteria: Invitae Variant Classification Sherloc (09022015). Collection method: clinical testing. Allele origin: germline.
Comment: This variant is not present in population databases (ExAC no frequency). This sequence change falls in intron 22 of the WDR19 gene. It does not directly change the encoded amino acid sequence of the WDR19 protein. It affects a nucleotide within the consensus splice site of the intron. This variant has not been reported in the literature in individuals with WDR19-related conditions. In summary, the available evidence is currently insufficient to determine the role of this variant in disease. Therefore, it has been classified as a Variant of Uncertain Significance. Nucleotide substitutions within the consensus splice site are a relatively common cause of aberrant splicing (PMID: 17576681, 9536098). Algorithms developed to predict the effect of sequence changes on RNA splicing suggest that this variant is not likely to affect RNA splicing, but this prediction has not been confirmed by published transcriptional studies.

Literature cited by the submitters: PubMed 17576681; PubMed 9536098.

NM_025132.4(WDR19):c.2562+4C>G

Gene: WDR19 (WD repeat domain 19; plus strand). Cytogenetic location: 4p14.
Variant type: single nucleotide variant.
Coding change: c.2562+4C>G on transcript NM_025132.4 (MANE Select); 4 bases into the intron after coding-DNA position 2562, C replaced by G.
Molecular consequence: intron variant.
Genome position (GRCh38, 1-based): chr4:39,244,392, C>G. VCF-style: chr4-39244392-C-G. GRCh37 (hg19) VCF-style: chr4-39246012-C-G.
Other names: c.2082+4C>G (NM_001317924.2).
Identifiers: ClinVar variation 1515333 (VCV001515333.5), dbSNP rs1732285598, ClinGen allele CA1061336691.